The following is an entry in ClinVar:

NM_005458.8(GABBR2):c.107C>T (p.Ala36Val)

Gene: GABBR2 (gamma-aminobutyric acid type B receptor subunit 2; minus strand). Cytogenetic location: 9q22.33.
Variant type: single nucleotide variant.
Coding change: c.107C>T on transcript NM_005458.8 (MANE Select); coding-DNA position 107, C replaced by T.
Protein change: p.Ala36Val; replaces alanine 36 with valine.
Molecular consequence: missense variant.
Genome position (GRCh38, 1-based): chr9:98,708,631, G>A on the plus strand (C>T on the coding strand, the complement: GABBR2 is on the minus strand). VCF-style: chr9-98708631-G-A. GRCh37 (hg19) VCF-style: chr9-101470913-G-A.
Other names: short protein forms A36V.
Identifiers: ClinVar variation 1709159 (VCV001709159.2), dbSNP rs909475307, ClinGen allele CA196789511.

ClinVar aggregate classification (germline): Uncertain significance (1 of 4 stars; one submission).

Conditions:
Neurodevelopmental disorder with poor language and loss of hand skills. Identifiers: MedGen C4693546, MONDO:0060659, OMIM 617903.

Allele frequency attached by ClinVar (database versions not stated): TOPMed below 0.00001.

Submission:

MGZ Medical Genetics Center
Classification: Uncertain significance for Neurodevelopmental disorder with poor language and loss of hand skills. Last evaluated: 2022-03-17. Review status: criteria provided, single submitter. Criteria: ACMG Guidelines, 2015. Collection method: clinical testing. Allele origin: germline. Affected: yes. Observed: 1 variant allele.
Comment: ACMG criteria applied: PM2_SUP, PP2, BP4